The following is an entry in ClinVar:

ClinVar aggregate classification (germline): Uncertain significance (1 of 4 stars; one submission).

Submission:

Labcorp Genetics (formerly Invitae), Labcorp
Classification: Uncertain significance. Last evaluated: 2022-10-24. Review status: criteria provided, single submitter. Criteria: Invitae Variant Classification Sherloc (09022015). Collection method: clinical testing. Allele origin: germline.
Comment: This sequence change replaces glycine, which is neutral and non-polar, with valine, which is neutral and non-polar, at codon 1492 of the MPDZ protein (p.Gly1492Val). This variant is not present in population databases (gnomAD no frequency). This variant has not been reported in the literature in individuals affected with MPDZ-related conditions. ClinVar contains an entry for this variant (Variation ID: 1015838). Algorithms developed to predict the effect of missense changes on protein structure and function are either unavailable or do not agree on the potential impact of this missense change (SIFT: "Deleterious"; PolyPhen-2: "Benign"; Align-GVGD: "Class C65"). In summary, the available evidence is currently insufficient to determine the role of this variant in disease. Therefore, it has been classified as a Variant of Uncertain Significance.

NM_001378778.1(MPDZ):c.4475G>T (p.Gly1492Val)

Gene: MPDZ (multiple PDZ domain crumbs cell polarity complex component; minus strand). Cytogenetic location: 9p23.
Variant type: single nucleotide variant.
Coding change: c.4475G>T on transcript NM_001378778.1 (MANE Select); coding-DNA position 4475, G replaced by T.
Protein change: p.Gly1492Val; replaces glycine 1492 with valine.
Molecular consequence: missense variant.
Genome position (GRCh38, 1-based): chr9:13,126,762, C>A on the plus strand (G>T on the coding strand, the complement: MPDZ is on the minus strand). VCF-style: chr9-13126762-C-A. GRCh37 (hg19) VCF-style: chr9-13126761-C-A.
Other names: c.4376G>T, p.Gly1459Val (NM_001261406.2, NM_001261407.2, NM_001375416.1 and 3 more transcripts); c.4475G>T, p.Gly1492Val (NM_001330637.2, NM_003829.5); c.4574G>T, p.Gly1525Val (NM_001375413.1); c.4265G>T, p.Gly1422Val (NM_001375420.1, NM_001375421.1, NM_001375422.1 and 4 more transcripts); c.4067G>T, p.Gly1356Val (NM_001375427.1); short protein forms G1356V, G1422V, G1459V, G1492V, G1525V.
Identifiers: ClinVar variation 1015838 (VCV001015838.8), dbSNP rs868092432, ClinGen allele CA189284728.